The following is an entry in ClinVar:

NM_001080467.3(MYO5B):c.1463T>C (p.Ile488Thr)

Gene: MYO5B (myosin VB; minus strand). Cytogenetic location: 18q21.1.
Variant type: single nucleotide variant.
Coding change: c.1463T>C on transcript NM_001080467.3 (MANE Select); coding-DNA position 1463, T replaced by C.
Protein change: p.Ile488Thr; replaces isoleucine 488 with threonine.
Molecular consequence: missense variant.
Genome position (GRCh38, 1-based): chr18:49,962,348, A>G on the plus strand (T>C on the coding strand, the complement: MYO5B is on the minus strand). VCF-style: chr18-49962348-A-G. GRCh37 (hg19) VCF-style: chr18-47488718-A-G.
Other names: I488T.
Identifiers: ClinVar variation 1686960 (VCV001686960.4), dbSNP rs780547885, ClinGen allele CA8961516.
Genomic context (GRCh38, chr18:49,962,348, plus strand): 5'-TCCAAGATACCCAGCTTGGCTTCAATGAGGTCGATACAAGGTTGGTTATCATAAAAATCA[A>G]TCAGGGTCCAAGGGATCTGTTCCTTCATGTATTCTTCTTGCTCCAGTTTGAAAACATGCT-3'
Protein context (NP_001073936.1, residues 478-498): YMKEQIPWTL[Ile488Thr]DFYDNQPCID

ClinVar aggregate classification (germline): Uncertain significance. Review status: criteria provided, single submitter (1 of 4 stars). 2 submissions from 2 submitters: Uncertain significance (1). 1 of the submissions does not count toward it. Last evaluated 2023-01-22.

Conditions:
Cholestasis, progressive familial intrahepatic, 10 (PFIC10). Identifiers: MedGen C5676981, MONDO:0030810, OMIM 619868.

Allele frequency attached by ClinVar (database versions not stated): gnomAD exomes below 0.00001 and 0.00001; ExAC 0.00001; gnomAD 0.00001.
gnomAD v4.1: 5 of 1,614,096 alleles (0.00031%); highest among the groups gnomAD compares: Non-Finnish European, 0.00042%; no homozygotes.

Submissions (2):

Labcorp Genetics (formerly Invitae), Labcorp
Classification: Uncertain significance. Last evaluated: 2023-01-22. Review status: criteria provided, single submitter. Criteria: Invitae Variant Classification Sherloc (09022015). Collection method: clinical testing. Allele origin: germline.
Comment: This sequence change replaces isoleucine, which is neutral and non-polar, with threonine, which is neutral and polar, at codon 488 of the MYO5B protein (p.Ile488Thr). In summary, the available evidence is currently insufficient to determine the role of this variant in disease. Therefore, it has been classified as a Variant of Uncertain Significance. Advanced modeling of protein sequence and biophysical properties (such as structural, functional, and spatial information, amino acid conservation, physicochemical variation, residue mobility, and thermodynamic stability) performed at Invitae indicates that this missense variant is expected to disrupt MYO5B protein function. ClinVar contains an entry for this variant (Variation ID: 1686960). This missense change has been observed in individual(s) with cholestasis (PMID: 32304554). This variant is present in population databases (rs780547885, gnomAD 0.0009%).

OMIM
Classification: Pathogenic for CHOLESTASIS, PROGRESSIVE FAMILIAL INTRAHEPATIC, 10. Last evaluated: 2022-05-20. Review status: no assertion criteria provided. Collection method: literature only. Allele origin: germline. Not counted in ClinVar's aggregate classification.

Literature cited by the submitters: PubMed 32304554 (cited by Labcorp Genetics (formerly Invitae), Labcorp and OMIM).